The following is an entry in ClinVar:

ClinVar aggregate classification (germline): Uncertain significance (1 of 4 stars; one submission).

gnomAD v4.1: 2 of 1,614,236 alleles (0.00012%); highest among the groups gnomAD compares: Admixed American, 0.0017%; no homozygotes.

Submission:

Labcorp Genetics (formerly Invitae), Labcorp
Classification: Uncertain significance. Last evaluated: 2022-09-01. Review status: criteria provided, single submitter. Criteria: Invitae Variant Classification Sherloc (09022015). Collection method: clinical testing. Allele origin: germline.
Comment: This sequence change replaces isoleucine, which is neutral and non-polar, with leucine, which is neutral and non-polar, at codon 1802 of the SNRNP200 protein (p.Ile1802Leu). This variant is not present in population databases (gnomAD no frequency). In summary, the available evidence is currently insufficient to determine the role of this variant in disease. Therefore, it has been classified as a Variant of Uncertain Significance. Algorithms developed to predict the effect of missense changes on protein structure and function (SIFT, PolyPhen-2, Align-GVGD) all suggest that this variant is likely to be tolerated. ClinVar contains an entry for this variant (Variation ID: 1379319). This variant has not been reported in the literature in individuals affected with SNRNP200-related conditions.

NM_014014.5(SNRNP200):c.5404A>C (p.Ile1802Leu)

Gene: SNRNP200 (small nuclear ribonucleoprotein U5 subunit 200; minus strand). Cytogenetic location: 2q11.2.
Variant type: single nucleotide variant.
Coding change: c.5404A>C on transcript NM_014014.5 (MANE Select); coding-DNA position 5404, A replaced by C.
Protein change: p.Ile1802Leu; replaces isoleucine 1802 with leucine.
Molecular consequence: missense variant.
Genome position (GRCh38, 1-based): chr2:96,278,631, T>G on the plus strand (A>C on the coding strand, the complement: SNRNP200 is on the minus strand). VCF-style: chr2-96278631-T-G. GRCh37 (hg19) VCF-style: chr2-96944369-T-G.
Other names: short protein forms I1802L.
Identifiers: ClinVar variation 1379319 (VCV001379319.6), dbSNP rs757783750, ClinGen allele CA347659295.
Genomic context (GRCh38, chr2:96,278,631, plus strand): 5'-AGTAGGCGGCGATCATGCCTAGGTTCAGAGGCGCCACGTCCATCTCGTCCTCGATGCTGA[T>G]GCACTTGGACTGCTCCAGGTCACTCAGGGTCTGCTCCACCAGCTCTGACAAGTGGTCCGA-3'
Protein context (NP_054733.2, residues 1792-1812): TLSDLEQSKC[Ile1802Leu]SIEDEMDVAP